The following is an entry in ClinVar:

ClinVar aggregate classification (germline): Uncertain significance. Review status: criteria provided, multiple submitters, no conflicts (2 of 4 stars). 2 submissions from 2 submitters: Uncertain significance (2). Last evaluated 2025-11-07.

Conditions:
Hereditary cancer-predisposing syndrome. Also called: Neoplastic Syndromes, Hereditary; Tumor predisposition; Hereditary Cancer Syndrome; Hereditary neoplastic syndrome. Identifiers: Orphanet 140162, MedGen C0027672, MeSH D009386, MONDO:0015356.
Neurofibromatosis, type 2 (SWNV). Also called: BILATERAL ACOUSTIC NEUROFIBROMATOSIS; SCHWANNOMATOSIS, VESTIBULAR; NF2-Related Schwannomatosis. Identifiers: Orphanet 637, MedGen C0027832, MONDO:0007039, OMIM 101000. Disease mechanism: loss of function.

gnomAD v4.1: 1 of 1,614,140 alleles (0.000062%); highest among the groups gnomAD compares: Non-Finnish European, 0.000085%; no homozygotes.

Submissions (2):

Ambry Genetics
Classification: Uncertain significance for Hereditary cancer-predisposing syndrome. Last evaluated: 2025-11-07. Review status: criteria provided, single submitter. Criteria: Ambry Variant Classification Scheme 2023. Collection method: clinical testing. Allele origin: germline.
Comment: The c.363+3A>G intronic variant results from an A to G substitution 3 nucleotides after coding exon 3 in the NF2 gene. This nucleotide position is well conserved in available vertebrate species. In silico splice site analysis for this alteration is inconclusive, and direct evidence is insufficient at this time (Ambry internal data). Based on the available evidence, the clinical significance of this variant remains unclear.

Labcorp Genetics (formerly Invitae), Labcorp
Classification: Uncertain significance for Neurofibromatosis, type 2. Last evaluated: 2024-04-29. Review status: criteria provided, single submitter. Criteria: Invitae Variant Classification Sherloc (09022015). Collection method: clinical testing. Allele origin: germline.
Comment: This sequence change falls in intron 3 of the NF2 gene. It does not directly change the encoded amino acid sequence of the NF2 protein. It affects a nucleotide within the consensus splice site. This variant is not present in population databases (gnomAD no frequency). This variant has not been reported in the literature in individuals affected with NF2-related conditions. Variants that disrupt the consensus splice site are a relatively common cause of aberrant splicing (PMID: 17576681, 9536098). Algorithms developed to predict the effect of sequence changes on RNA splicing suggest that this variant may disrupt the consensus splice site. In summary, the available evidence is currently insufficient to determine the role of this variant in disease. Therefore, it has been classified as a Variant of Uncertain Significance.

Literature cited by the submitters: PubMed 17576681 (cited by Labcorp Genetics (formerly Invitae), Labcorp); PubMed 9536098 (cited by Labcorp Genetics (formerly Invitae), Labcorp).

NM_000268.4(NF2):c.363+3A>G

Gene: NF2 (NF2, moesin-ezrin-radixin like (MERLIN) tumor suppressor; plus strand). Cytogenetic location: 22q12.2.
Variant type: single nucleotide variant.
Coding change: c.363+3A>G on transcript NM_000268.4 (MANE Select); 3 bases into the intron after coding-DNA position 363, A replaced by G.
Molecular consequence: intron variant.
Genome position (GRCh38, 1-based): chr22:29,639,215, A>G. VCF-style: chr22-29639215-A-G. GRCh37 (hg19) VCF-style: chr22-30035204-A-G.
Other names: c.363+3A>G (NM_016418.5, NM_181832.3, NM_001407060.1 and 6 more transcripts); c.249+3A>G (NM_001407056.1, NM_001407053.1); c.132+3A>G (NM_001407067.1); c.-278+3A>G (NM_001407065.1); c.240+2339A>G (NM_001407058.1, NM_181829.3, NM_001407054.1 and 1 more transcripts); c.237+3A>G (NM_181828.3, NM_001407055.1); c.115-2987A>G (NM_001407063.1, NM_181830.3, NM_001407064.1 and 1 more transcripts).
Identifiers: ClinVar variation 3622843 (VCV003622843.4).